The following is an entry in ClinVar:

NM_002160.4(TNC):c.5731C>A (p.Arg1911=)

Gene: TNC (tenascin C; minus strand). Cytogenetic location: 9q33.1.
Variant type: single nucleotide variant.
Coding change: c.5731C>A on transcript NM_002160.4 (MANE Select); coding-DNA position 5731, C replaced by A.
Protein change: p.Arg1911=; no amino-acid change (arginine 1911 retained).
Molecular consequence: synonymous variant.
Genome position (GRCh38, 1-based): chr9:115,035,260, G>T on the plus strand (C>A on the coding strand, the complement: TNC is on the minus strand). VCF-style: chr9-115035260-G-T. GRCh37 (hg19) VCF-style: chr9-117797539-G-T.
Other names: c.5185C>A, p.Arg1729= (NM_001410991.1, NM_001439083.1, NM_001439084.1 and 2 more transcripts); c.6280C>A, p.Arg2094= (NM_001439065.1, NM_001439066.1, NM_001439067.1); c.6007C>A, p.Arg2003= (NM_001439068.1, NM_001439069.1, NM_001439070.1); c.6004C>A, p.Arg2002= (NM_001439071.1); c.5734C>A, p.Arg1912= (NM_001439072.1, NM_001439073.1); c.5731C>A, p.Arg1911= (NM_001439074.1, NM_001439075.1, NM_001439076.1); c.5458C>A, p.Arg1820= (NM_001439077.1, NM_001439078.1, NM_001439079.1 and 3 more transcripts); c.4912C>A, p.Arg1638= (NM_001439087.1, NM_001439088.1); and 4 more.
Identifiers: ClinVar variation 4977756 (VCV004977756.1).
Genomic context (GRCh38, chr9:115,035,260, plus strand): 5'-ATACCTTGACTGTGCCATCCACTGATTCATAGACCAGCAGGTAACCGGTGACTGATGCCC[G>T]GGGGGGTCGCCAGGTAAGGAGGGCAGTTTCCGACTGAACCTCAGTAGCAGTCAAGTCTCT-3'
Protein context (NP_002151.2, residues 1901-1921): ETALLTWRPP[Arg1911=]ASVTGYLLVY

ClinVar aggregate classification (germline): Likely benign (1 of 4 stars; one submission).

Conditions:
TNC-related disorder. Also called: TNC-related condition.

gnomAD v4.1: 25 of 1,609,108 alleles (0.0016%); highest among the groups gnomAD compares: African/African-American, 0.029%; no homozygotes.

Submission:

PreventionGenetics, part of Exact Sciences
Classification: Likely benign for TNC-related condition. Last evaluated: 2026-07-18. Review status: criteria provided, single submitter. Criteria: ACMG Guidelines, 2015. Collection method: clinical testing. Allele origin: germline.
Comment: This variant is classified as likely benign based on ACMG/AMP sequence variant interpretation guidelines (Richards et al. 2015 PMID: 25741868, with internal and published modifications).